The following is an entry in ClinVar:

NM_173081.5(ARMC3):c.916+1G>A

Gene: ARMC3 (armadillo repeat containing 3; plus strand). Cytogenetic location: 10p12.2.
Variant type: single nucleotide variant.
Coding change: c.916+1G>A on transcript NM_173081.5 (MANE Select); the canonical splice donor site of the intron after coding-DNA position 916, G replaced by A.
Molecular consequence: splice donor variant.
Genome position (GRCh38, 1-based): chr10:22,968,490, G>A. VCF-style: chr10-22968490-G-A. GRCh37 (hg19) VCF-style: chr10-23257419-G-A.
Other names: c.916+1G>A (NM_001282745.2, NM_001282746.2); c.127+1G>A (NM_001282747.2).
Identifiers: ClinVar variation 1712309 (VCV001712309.4), dbSNP rs767509621, ClinGen allele CA5437831.

ClinVar aggregate classification (germline): Uncertain significance. Review status: criteria provided, single submitter (1 of 4 stars). 2 submissions from 2 submitters: Uncertain significance (1). 1 of the submissions does not count toward it. Last evaluated 2026-01-19.

Conditions:
ARMC3-related disorder.
Stuttering, familial persistent, 4 (STUT4). Identifiers: MedGen C3553403, MONDO:0013844, OMIM 614668.

Allele frequency attached by ClinVar (database versions not stated): TOPMed 0.00001; gnomAD 0.00002; ExAC 0.00008.
gnomAD v4.1: 38 of 1,564,630 alleles (0.0024%); highest among the groups gnomAD compares: East Asian, 0.02%; no homozygotes.

Submissions (2):

3billion
Classification: Uncertain significance for ARMC3-related disorder. Last evaluated: 2026-01-19. Review status: criteria provided, single submitter. Criteria: ACMG Guidelines, 2015. Collection method: clinical testing. Allele origin: germline. Affected: yes.
Comment: The variant is observed at an extremely low frequency in the gnomAD v4.1.0 dataset (total allele frequency: 0.002%). Predicted Consequence/Location: Canonical splice site variant: previously reported to alter splicing and result in a loss of normal protein function through nonsense-mediated decay (NMD) or protein truncation (PMID: 39221575). In silico tools predict the variant to alter splicing and produce an abnormal transcript [SpliceAI: 0.81 (spliceogenicity >=0.2, non-spliceogenicity <0.1)]. Canonical splice site variant: previously reported to alter splicing and result in a loss of normal protein function through nonsense-mediated decay (NMD) or protein truncation (PMID: 39221575). Therefore, this variant is classified as VUS according to the recommendation of ACMG/AMP guideline.

Institute of Human Genetics, University of Ulm
Classification: Uncertain significance for Stuttering, familial persistent, 4. Last evaluated: 2022-07-07. Review status: no assertion criteria provided. Collection method: research. Allele origin: germline. Inheritance: Autosomal recessive inheritance. Affected: yes. Observed: 2 variant alleles, 2 homozygotes. Not counted in ClinVar's aggregate classification.

Literature cited by the submitters: PubMed 36553564 (cited by 3billion); PubMed 39221575 (cited by 3billion).